The following is an entry in ClinVar:

ClinVar aggregate classification (germline): Uncertain significance (1 of 4 stars; one submission).

gnomAD v4.1: 2 of 1,613,190 alleles (0.00012%); highest among the groups gnomAD compares: Non-Finnish European, 0.00017%; no homozygotes.

Submission:

Labcorp Genetics (formerly Invitae), Labcorp
Classification: Uncertain significance. Last evaluated: 2023-10-03. Review status: criteria provided, single submitter. Criteria: Invitae Variant Classification Sherloc (09022015). Collection method: clinical testing. Allele origin: germline.
Comment: This sequence change replaces glutamic acid, which is acidic and polar, with glutamine, which is neutral and polar, at codon 355 of the SEPT9 protein (p.Glu355Gln). This variant is not present in population databases (gnomAD no frequency). This variant has not been reported in the literature in individuals affected with SEPT9-related conditions. Advanced modeling of protein sequence and biophysical properties (such as structural, functional, and spatial information, amino acid conservation, physicochemical variation, residue mobility, and thermodynamic stability) performed at Invitae indicates that this missense variant is not expected to disrupt SEPT9 protein function. In summary, the available evidence is currently insufficient to determine the role of this variant in disease. Therefore, it has been classified as a Variant of Uncertain Significance.

NM_001113491.2(SEPTIN9):c.1117G>C (p.Glu373Gln)

Gene: SEPTIN9 (septin 9; plus strand). Cytogenetic location: 17q25.3.
Variant type: single nucleotide variant.
Coding change: c.1117G>C on transcript NM_001113491.2 (MANE Select); coding-DNA position 1117, G replaced by C.
Protein change: p.Glu373Gln; replaces glutamic acid 373 with glutamine.
Molecular consequence: missense variant.
Genome position (GRCh38, 1-based): chr17:77,488,314, G>C. VCF-style: chr17-77488314-G-C. GRCh37 (hg19) VCF-style: chr17-75484396-G-C.
Other names: c.625G>C, p.Glu209Gln (NM_001113492.2, NM_001113494.1); c.1096G>C, p.Glu366Gln (NM_001113493.2); c.364G>C, p.Glu122Gln (NM_001113495.2, NM_001113496.2, NM_001293697.2 and 1 more transcripts); c.1060G>C, p.Glu354Gln (NM_001293695.2); c.445G>C, p.Glu149Gln (NM_001293696.2); c.1063G>C, p.Glu355Gln (NM_006640.5); short protein forms E149Q, E122Q, E354Q, E209Q, E355Q, E366Q, E373Q.
Identifiers: ClinVar variation 2764867 (VCV002764867.3), dbSNP rs762543093, ClinGen allele CA401209037.